The following is an entry in ClinVar:

NM_001174089.2(SLC4A11):c.652dup (p.Leu218fs)

Gene: SLC4A11 (solute carrier family 4 member 11; minus strand). Cytogenetic location: 20p13.
Variant type: Duplication.
Coding change: c.652dup on transcript NM_001174089.2 (MANE Select); coding-DNA position 652, one base duplicated (C; older notation c.652dupC).
Protein change: p.Leu218fs; shifts the reading frame from leucine 218.
Molecular consequence: frameshift variant. On other transcripts: non-coding transcript variant (3).
Genome position (GRCh38, 1-based): chr20:3,233,591, G duplicated on the plus strand (C on the coding strand, the reverse complement: SLC4A11 is on the minus strand); the first of 2 consecutive G bases (chr20:3,233,591-3,233,592); duplicating either gives the same sequence. VCF-style (leftmost placement, unchanged base first): chr20-3233590-A-AG. GRCh37 (hg19) VCF-style: chr20-3214236-A-AG.
Other names: c.781dup, p.Leu261fs (NM_001174090.2, NM_001400280.1); c.652dup, p.Leu218fs (NM_001363745.2); c.595dup, p.Leu199fs (NM_001400277.1, NM_001400278.1, NM_001400279.1); c.700dup, p.Leu234fs (NM_032034.4); short protein forms L218fs, L234fs, L261fs, L199fs.
Identifiers: ClinVar variation 2746812 (VCV002746812.3), dbSNP rs2514592098, ClinGen allele CA2697547283.
Genomic context (GRCh38, chr20:3,233,590, plus strand): 5'-AGCACCAGGATGACGAACCGAACCTCACAGGAATTCTCCCCCCAGTTCTGTGGGCGAACC[A>AG]GGCGGCTGATGCACACGTGCCGCTTCTGTAGGGCCTTCATGGTACAGCTGGCAGGGGCGG-3'

ClinVar aggregate classification (germline): Pathogenic (1 of 4 stars; one submission).

Submission:

Labcorp Genetics (formerly Invitae), Labcorp
Classification: Pathogenic. Last evaluated: 2023-07-25. Review status: criteria provided, single submitter. Criteria: Invitae Variant Classification Sherloc (09022015). Collection method: clinical testing. Allele origin: germline.
Comment: For these reasons, this variant has been classified as Pathogenic. This variant has not been reported in the literature in individuals affected with SLC4A11-related conditions. This sequence change creates a premature translational stop signal (p.Leu234Profs*13) in the SLC4A11 gene. It is expected to result in an absent or disrupted protein product. Loss-of-function variants in SLC4A11 are known to be pathogenic (PMID: 17220209, 17679935). This variant is not present in population databases (gnomAD no frequency).

Literature cited by the submitters: PubMed 17220209; PubMed 17679935.